The following is an entry in ClinVar:

NM_001031681.2:c.(225+1_226-1)_(852+1_853-1)del

Gene: CTNS (cystinosin, lysosomal cystine transporter; plus strand).
Variant type: Deletion.
Identifiers: ClinVar variation 988187 (VCV000988187.1).

ClinVar aggregate classification (germline): Pathogenic (0 of 4 stars; one submission).

Conditions:
Cystinosis. Also called: Cystine diathesis; Cystine storage disease; Cystinoses. Identifiers: Orphanet 213, MedGen C4316899, MONDO:0016239.

Submission:

Sydney Genome Diagnostics, Children's Hospital Westmead
Classification: Pathogenic for Cystinosis. Last evaluated: 2015-04-11. Review status: no assertion criteria provided. Collection method: clinical testing. Allele origin: unknown. Affected: yes. Observed: 1 variant allele, 1 compound heterozygote.
Comment: The c.[(?_-470)_(*808_?)del] (aprroximately 62kb) is the most common CTNS mutation in cystinosis among northern Europeans and is found in homozygous state in approximately 50% of of these patients (OMIM # 219800). The c.[(225+1_226-1)_(852+1_853-1)del] (approximately 6kb) removes part of CTNS gene from exon 6 to exon 10 and is a novel deletion and considered pathogenic